The following is an entry in ClinVar:

ClinVar aggregate classification (germline): Uncertain significance (1 of 4 stars; one submission).

Conditions:
Neuroblastoma, susceptibility to, 3. Also called: ALK-Related Neuroblastic Tumor Susceptibility. Identifiers: Orphanet 635, MedGen C2751681, MONDO:0013083, OMIM 613014.

Submission:

Labcorp Genetics (formerly Invitae), Labcorp
Classification: Uncertain significance for Neuroblastoma, susceptibility to, 3. Last evaluated: 2022-08-04. Review status: criteria provided, single submitter. Criteria: Invitae Variant Classification Sherloc (09022015). Collection method: clinical testing. Allele origin: germline.
Comment: Algorithms developed to predict the effect of missense changes on protein structure and function are either unavailable or do not agree on the potential impact of this missense change (SIFT: "Deleterious"; PolyPhen-2: "Benign"; Align-GVGD: "Class C25"). In summary, the available evidence is currently insufficient to determine the role of this variant in disease. Therefore, it has been classified as a Variant of Uncertain Significance. This variant has not been reported in the literature in individuals affected with ALK-related conditions. This variant is not present in population databases (gnomAD no frequency). This sequence change replaces methionine, which is neutral and non-polar, with threonine, which is neutral and polar, at codon 950 of the ALK protein (p.Met950Thr).

NM_004304.5(ALK):c.2849T>C (p.Met950Thr)

Gene: ALK (ALK receptor tyrosine kinase; minus strand). Cytogenetic location: 2p23.2.
Variant type: single nucleotide variant.
Coding change: c.2849T>C on transcript NM_004304.5 (MANE Select); coding-DNA position 2849, T replaced by C.
Protein change: p.Met950Thr; replaces methionine 950 with threonine.
Molecular consequence: missense variant.
Genome position (GRCh38, 1-based): chr2:29,227,639, A>G on the plus strand (T>C on the coding strand, the complement: ALK is on the minus strand). VCF-style: chr2-29227639-A-G. GRCh37 (hg19) VCF-style: chr2-29450505-A-G.
Other names: short protein forms M950T.
Identifiers: ClinVar variation 1713353 (VCV001713353.5), dbSNP rs2465973621, ClinGen allele CA346468707.